The following is an entry in ClinVar:

NM_001040167.2(LFNG):c.481+3G>A

Gene: LFNG (LFNG O-fucosylpeptide 3-beta-N-acetylglucosaminyltransferase; plus strand). Cytogenetic location: 7p22.3.
Variant type: single nucleotide variant.
Coding change: c.481+3G>A on transcript NM_001040167.2 (MANE Select); 3 bases into the intron after coding-DNA position 481, G replaced by A.
Molecular consequence: intron variant.
Genome position (GRCh38, 1-based): chr7:2,524,746, G>A. VCF-style: chr7-2524746-G-A. GRCh37 (hg19) VCF-style: chr7-2564380-G-A.
Other names: c.268+3G>A (NM_001166355.2); c.94+3G>A (NM_002304.3); c.481+3G>A (NM_001040168.2).
Identifiers: ClinVar variation 257265 (VCV000257265.15), dbSNP rs141008352, ClinGen allele CA4126954.

ClinVar aggregate classification (germline): Benign/Likely benign. Review status: criteria provided, multiple submitters, no conflicts (2 of 4 stars). 3 submissions from 3 submitters: Benign (1); Likely benign (1). 1 of the submissions does not count toward it. Last evaluated 2026-01-11.

Conditions:
LFNG-related disorder. Also called: LFNG-related condition.
Spondylocostal dysostosis 3, autosomal recessive (SCDO3). Also called: LFNG-Related Spondylocostal Dysostosis, Autosomal Recessive. Identifiers: Orphanet 2311, MedGen C1853296, MONDO:0012349, OMIM 609813.

Allele frequency attached by ClinVar (database versions not stated): gnomAD exomes 0.00032 and 0.00079; ExAC 0.00256; gnomAD 0.00337 and 0.00361; 1000 Genomes Project 30x 0.00344; 1000 Genomes Project 0.00359; TOPMed 0.00372; ESP Exome Variant Server 0.00448.
gnomAD v4.1: 987 of 1,585,924 alleles (0.062%); highest among the groups gnomAD compares: African/African-American, 1.2%; 8 homozygotes.

Submissions (3):

Labcorp Genetics (formerly Invitae), Labcorp
Classification: Benign for Spondylocostal dysostosis 3, autosomal recessive. Last evaluated: 2026-01-11. Review status: criteria provided, single submitter. Criteria: Invitae Variant Classification Sherloc (09022015). Collection method: clinical testing. Allele origin: germline.

Blueprint Genetics
Classification: Likely benign. Last evaluated: 2024-11-25. Review status: criteria provided, single submitter. Criteria: ACMG Guidelines, 2015. Collection method: clinical testing. Allele origin: germline.

PreventionGenetics, part of Exact Sciences
Classification: Benign for LFNG-related condition. Last evaluated: 2019-02-18. Review status: no assertion criteria provided. Collection method: clinical testing. Allele origin: germline. Not counted in ClinVar's aggregate classification.
Comment: This variant is classified as benign based on ACMG/AMP sequence variant interpretation guidelines (Richards et al. 2015 PMID: 25741868, with internal and published modifications).